The following is an entry in ClinVar:

NM_014244.5(ADAMTS2):c.1344G>A (p.Trp448Ter)

Gene: ADAMTS2 (ADAM metallopeptidase with thrombospondin type 1 motif 2; minus strand). Cytogenetic location: 5q35.3.
Variant type: single nucleotide variant.
Coding change: c.1344G>A on transcript NM_014244.5 (MANE Select); coding-DNA position 1344, G replaced by A.
Protein change: p.Trp448Ter; replaces tryptophan 448 with a stop codon.
Molecular consequence: nonsense.
Genome position (GRCh38, 1-based): chr5:179,154,087, C>T on the plus strand (G>A on the coding strand, the complement: ADAMTS2 is on the minus strand). VCF-style: chr5-179154087-C-T. GRCh37 (hg19) VCF-style: chr5-178581088-C-T.
Other names: c.1344G>A, p.Trp448Ter (NM_021599.4); short protein forms W448*.
Identifiers: ClinVar variation 4815611 (VCV004815611.3).

ClinVar aggregate classification (germline): Pathogenic/Likely pathogenic. Review status: criteria provided, multiple submitters, no conflicts (2 of 4 stars). 3 submissions from 3 submitters: Pathogenic (1); Likely pathogenic (2). Last evaluated 2025-09-24.

Conditions:
Ehlers-Danlos syndrome, dermatosparaxis type. Also called: Ehlers-Danlos syndrome, type VII, autosomal recessive; EDS VIIC; Dermatosparaxis. Identifiers: Orphanet 1901, MedGen C2700425, MONDO:0009161, OMIM 225410.
ADAMTS2-related disorder. Also called: ADAMTS2-related condition.

Submissions (3):

Natera, Inc.
Classification: Likely pathogenic for Ehlers-Danlos syndrome type VIIC. Last evaluated: 2025-09-24. Review status: criteria provided, single submitter. Criteria: Natera Variant Classification Schema (03/2026). Collection method: clinical testing. Allele origin: germline.
Comment: The c.1344G>A variant in ADAMTS2 is a nonsense variant predicted to introduce a stop codon at amino acid 448. This variant is expected to result in nonsense mediated decay, truncation, or a dysfunctional protein product. This variant is rare in the general population with a frequency below the threshold expected for the associated phenotype(s). Given the available evidence, this variant is classified as Likely Pathogenic.

Myriad Genetics, Inc.
Classification: Pathogenic for Ehlers-Danlos syndrome, dermatosparaxis type. Last evaluated: 2024-12-05. Review status: criteria provided, single submitter. Criteria: Myriad Autosomal Dominant, Autosomal Recessive and X-Linked Classification Criteria (2023). Collection method: clinical testing. Allele origin: unknown.
Comment: NM_014244.4(ADAMTS2):c.1344G>A(W448*) is expected to be pathogenic in the context of Ehlers-Danlos syndrome, ADAMTS2-related. This variant is predicted to lead to an abnormal or absent protein product due to the creation of a premature termination codon in ADAMTS2, a gene where loss-of-function variants are known to be pathogenic. Please note: this variant was assessed in the context of healthy population screening.

Blueprint Genetics
Classification: Likely pathogenic for ADAMTS2-related disorders. Last evaluated: 2024-05-08. Review status: criteria provided, single submitter. Criteria: ACMG Guidelines, 2015. Collection method: clinical testing. Allele origin: germline. Affected: yes. Observed: 1 variant allele.